The following is an entry in ClinVar:

NM_003673.4(TCAP):c.373G>T (p.Gly125Cys)

Gene: TCAP (titin-cap; plus strand). Cytogenetic location: 17q12.
Variant type: single nucleotide variant.
Coding change: c.373G>T on transcript NM_003673.4 (MANE Select); coding-DNA position 373, G replaced by T.
Protein change: p.Gly125Cys; replaces glycine 125 with cysteine.
Molecular consequence: missense variant.
Genome position (GRCh38, 1-based): chr17:39,665,978, G>T. VCF-style: chr17-39665978-G-T. GRCh37 (hg19) VCF-style: chr17-37822231-G-T.
Other names: short protein forms G125C.
Identifiers: ClinVar variation 3750264 (VCV003750264.2).

ClinVar aggregate classification (germline): Uncertain significance (1 of 4 stars; one submission).

Conditions:
Primary familial hypertrophic cardiomyopathy (HCM). Identifiers: Orphanet 99739, MedGen C0949658, MeSH D024741, MONDO:0024573. Inheritance: Various modes of inheritance.
Hypertrophic cardiomyopathy 25 (CMH25). Also called: CARDIOMYOPATHY, FAMILIAL HYPERTROPHIC, 25. Identifiers: MedGen C4225408, MONDO:0011843, OMIM 607487.

Submission:

Labcorp Genetics (formerly Invitae), Labcorp
Classification: Uncertain significance for Hypertrophic cardiomyopathy 25; Primary familial hypertrophic cardiomyopathy. Last evaluated: 2024-05-08. Review status: criteria provided, single submitter. Criteria: Invitae Variant Classification Sherloc (09022015). Collection method: clinical testing. Allele origin: germline.
Comment: This sequence change replaces glycine, which is neutral and non-polar, with cysteine, which is neutral and slightly polar, at codon 125 of the TCAP protein (p.Gly125Cys). This variant is not present in population databases (gnomAD no frequency). This variant has not been reported in the literature in individuals affected with TCAP-related conditions. An algorithm developed to predict the effect of missense changes on protein structure and function (PolyPhen-2) suggests that this variant is likely to be disruptive. In summary, the available evidence is currently insufficient to determine the role of this variant in disease. Therefore, it has been classified as a Variant of Uncertain Significance.